The following is an entry in ClinVar:

ClinVar aggregate classification (germline): Uncertain significance (1 of 4 stars; one submission).

Conditions:
Catecholaminergic polymorphic ventricular tachycardia 1. Also called: VENTRICULAR TACHYCARDIA, CATECHOLAMINERGIC POLYMORPHIC, 1, WITH OR WITHOUT ATRIAL DYSFUNCTION AND/OR DILATED CARDIOMYOPATHY; VENTRICULAR TACHYCARDIA, STRESS-INDUCED POLYMORPHIC 1; RYR2-Related Catecholaminergic Polymorphic Ventricular Tachycardia. Identifiers: Orphanet 3286, MedGen C1631597, MONDO:0011484, OMIM 604772.

Submission:

Labcorp Genetics (formerly Invitae), Labcorp
Classification: Uncertain significance for Catecholaminergic polymorphic ventricular tachycardia 1. Last evaluated: 2022-09-20. Review status: criteria provided, single submitter. Criteria: Invitae Variant Classification Sherloc (09022015). Collection method: clinical testing. Allele origin: germline.
Comment: In summary, the available evidence is currently insufficient to determine the role of this variant in disease. Therefore, it has been classified as a Variant of Uncertain Significance. Advanced modeling of protein sequence and biophysical properties (such as structural, functional, and spatial information, amino acid conservation, physicochemical variation, residue mobility, and thermodynamic stability) performed at Invitae indicates that this missense variant is not expected to disrupt RYR2 protein function. This variant has not been reported in the literature in individuals affected with RYR2-related conditions. This variant is present in population databases (no rsID available, gnomAD 0.002%). This sequence change replaces alanine, which is neutral and non-polar, with glycine, which is neutral and non-polar, at codon 2799 of the RYR2 protein (p.Ala2799Gly).

NM_001035.3(RYR2):c.8396C>G (p.Ala2799Gly)

Gene: RYR2 (ryanodine receptor 2; plus strand). Cytogenetic location: 1q43.
Variant type: single nucleotide variant.
Coding change: c.8396C>G on transcript NM_001035.3 (MANE Select); coding-DNA position 8396, C replaced by G.
Protein change: p.Ala2799Gly; replaces alanine 2799 with glycine.
Molecular consequence: missense variant.
Genome position (GRCh38, 1-based): chr1:237,660,907, C>G. VCF-style: chr1-237660907-C-G. GRCh37 (hg19) VCF-style: chr1-237824207-C-G.
Other names: short protein forms A2799G.
Identifiers: ClinVar variation 1719894 (VCV001719894.6), dbSNP rs1370090636, ClinGen allele CA345401945.